The following is an entry in ClinVar:

ClinVar aggregate classification (germline): Uncertain significance (1 of 4 stars; one submission).

Conditions:
PLXNA1-related disorder. Also called: PLXNA1-related condition.

gnomAD v4.1: 1 of 1,613,634 alleles (0.000062%); highest among the groups gnomAD compares: Non-Finnish European, 0.000085%; no homozygotes.

Submission:

PreventionGenetics, part of Exact Sciences
Classification: Uncertain significance for PLXNA1-related condition. Last evaluated: 2025-09-11. Review status: criteria provided, single submitter. Criteria: ACMG Guidelines, 2015. Collection method: clinical testing. Allele origin: germline.
Comment: The PLXNA1 c.737A>G variant is predicted to result in the amino acid substitution p.Tyr246Cys. To our knowledge, this variant has not been reported in the literature or in a large population database (gnomAD), indicating this variant is rare. At this time, the clinical significance of this variant is uncertain due to the absence of conclusive functional and genetic evidence.

NM_032242.4(PLXNA1):c.737A>G (p.Tyr246Cys)

Gene: PLXNA1 (plexin A1; plus strand). Cytogenetic location: 3q21.3.
Variant type: single nucleotide variant.
Coding change: c.737A>G on transcript NM_032242.4 (MANE Select); coding-DNA position 737, A replaced by G.
Protein change: p.Tyr246Cys; replaces tyrosine 246 with cysteine.
Molecular consequence: missense variant.
Genome position (GRCh38, 1-based): chr3:126,989,330, A>G. VCF-style: chr3-126989330-A-G. GRCh37 (hg19) VCF-style: chr3-126708173-A-G.
Other names: short protein forms Y246C.
Identifiers: ClinVar variation 4997113 (VCV004997113.1).
Genomic context (GRCh38, chr3:126,989,330, plus strand): 5'-CATCACAGCTCAAGATCCCTTCGGACACGCTGTCCAAGTTCCCGGCCTTTGACATCTACT[A>G]TGTGTACAGCTTCCGCAGCGAGCAGTTTGTCTACTACCTCACGCTGCAGCTAGACACACA-3'
Protein context (NP_115618.3, residues 236-256): LSKFPAFDIY[Tyr246Cys]VYSFRSEQFV